The following is an entry in ClinVar:

ClinVar aggregate classification (germline): Likely pathogenic (0 of 4 stars; one submission).

Conditions:
3M syndrome 1. Also called: 3-M Syndrome, CUL7-Related. Identifiers: Orphanet 2616, MedGen C2678312, MONDO:0010117, OMIM 273750.

Submission:

Hacettepe Genetic Diseases Diagnosis Center, Hacettepe University Faculty of Medicine
Classification: Likely pathogenic for 3M syndrome 1. Last evaluated: 2014-03-14. Review status: no assertion criteria provided. Collection method: clinical testing. Allele origin: germline. Inheritance: Autosomal recessive inheritance. Affected: yes. Observed: 1 homozygote.
Comment: In summary, the p.Trp494Ter variant meets our criteria to be classified as likely pathogenic.

Literature cited by the submitters: PubMed 30980518.

NM_014780.5(CUL7):c.1482G>A (p.Trp494Ter)

Gene: CUL7 (cullin 7; minus strand). Cytogenetic location: 6p21.1.
Variant type: single nucleotide variant.
Coding change: c.1482G>A on transcript NM_014780.5 (MANE Select); coding-DNA position 1482, G replaced by A.
Protein change: p.Trp494Ter; replaces tryptophan 494 with a stop codon.
Molecular consequence: nonsense.
Genome position (GRCh38, 1-based): chr6:43,050,050, C>T on the plus strand (G>A on the coding strand, the complement: CUL7 is on the minus strand). VCF-style: chr6-43050050-C-T. GRCh37 (hg19) VCF-style: chr6-43017788-C-T.
Other names: c.1578G>A, p.Trp526Ter (NM_001168370.2, NM_001374872.1); c.1482G>A, p.Trp494Ter (NM_001374873.1, NM_001374874.1); short protein forms W494*, W526*.
Identifiers: ClinVar variation 599185 (VCV000599185.2), dbSNP rs1561892336, ClinGen allele CA364223536.